The following is an entry in ClinVar:

ClinVar aggregate classification (germline): Uncertain significance (1 of 4 stars; one submission).

Conditions:
Hereditary cancer-predisposing syndrome. Also called: Hereditary Cancer Syndrome; Hereditary neoplastic syndrome; Tumor predisposition; Neoplastic Syndromes, Hereditary. Identifiers: Orphanet 140162, MedGen C0027672, MeSH D009386, MONDO:0015356.

Submission:

Ambry Genetics
Classification: Uncertain significance for Hereditary cancer-predisposing syndrome. Last evaluated: 2021-08-18. Review status: criteria provided, single submitter. Criteria: Ambry Variant Classification Scheme 2023. Collection method: clinical testing. Allele origin: germline.
Comment: The p.L774I variant (also known as c.2320C>A), located in coding exon 14 of the RAD50 gene, results from a C to A substitution at nucleotide position 2320. The leucine at codon 774 is replaced by isoleucine, an amino acid with highly similar properties. This amino acid position is conserved. In addition, this alteration is predicted to be tolerated by in silico analysis. Since supporting evidence is limited at this time, the clinical significance of this alteration remains unclear.

NM_005732.4(RAD50):c.2320C>A (p.Leu774Ile)

Gene: RAD50 (RAD50 double strand break repair protein; plus strand). Cytogenetic location: 5q31.1.
Variant type: single nucleotide variant.
Coding change: c.2320C>A on transcript NM_005732.4 (MANE Select); coding-DNA position 2320, C replaced by A.
Protein change: p.Leu774Ile; replaces leucine 774 with isoleucine.
Molecular consequence: missense variant.
Genome position (GRCh38, 1-based): chr5:132,603,412, C>A. VCF-style: chr5-132603412-C-A. GRCh37 (hg19) VCF-style: chr5-131939104-C-A.
Other names: short protein forms L774I.
Identifiers: ClinVar variation 1789573 (VCV001789573.2), dbSNP rs2479665048, ClinGen allele CA360954624.